The following is an entry in ClinVar:

ClinVar aggregate classification (germline): Likely benign (1 of 4 stars; one submission).

Allele frequency attached by ClinVar (database versions not stated): gnomAD 0.00001; ExAC 0.00002; gnomAD exomes 0.00003; TOPMed 0.00004; 1000 Genomes Project 0.00020; 1000 Genomes Project 30x 0.00031.
gnomAD v4.1: 47 of 1,614,092 alleles (0.0029%); highest among the groups gnomAD compares: Admixed American, 0.005%; no homozygotes.

Submission:

CeGaT Center for Human Genetics Tuebingen
Classification: Likely benign. Last evaluated: 2026-01-01. Review status: criteria provided, single submitter. Criteria: CeGaT Center For Human Genetics Tuebingen Variant Classification Criteria Version 2. Collection method: clinical testing. Allele origin: germline. Affected: yes. Observed: 2 variant alleles.
Comment: KIF1B: BP4, BP7

NM_001365951.3(KIF1B):c.2115+6312C>T

Gene: KIF1B (kinesin family member 1B; plus strand). Cytogenetic location: 1p36.22.
Variant type: single nucleotide variant.
Coding change: c.2115+6312C>T on transcript NM_001365951.3 (MANE Select); 6312 bases into the intron after coding-DNA position 2115, C replaced by T.
Molecular consequence: intron variant. On other transcripts: synonymous variant (2).
Genome position (GRCh38, 1-based): chr1:10,303,558, C>T. VCF-style: chr1-10303558-C-T. GRCh37 (hg19) VCF-style: chr1-10363616-C-T.
Other names: c.1977+6312C>T (NM_015074.3); c.2115+6312C>T (NM_001365952.1); c.2373C>T, p.Asp791= (NM_001365953.1, NM_183416.4).
Identifiers: ClinVar variation 2638200 (VCV002638200.24), dbSNP rs202205068, ClinGen allele CA581237.